The following is an entry in ClinVar:

ClinVar aggregate classification (germline): Uncertain significance (1 of 4 stars; one submission).

gnomAD v4.1: 3 of 1,595,484 alleles (0.00019%); highest among the groups gnomAD compares: Non-Finnish European, 0.00026%; no homozygotes.

Submission:

CeGaT Center for Human Genetics Tuebingen
Classification: Uncertain significance. Last evaluated: 2022-06-01. Review status: criteria provided, single submitter. Criteria: CeGaT Center For Human Genetics Tuebingen Variant Classification Criteria Version 2. Collection method: clinical testing. Allele origin: germline. Affected: yes. Observed: 1 variant allele.
Comment: STAG1: PM2, PP2, BP4

NM_005862.3(STAG1):c.1206-4T>G

Gene: STAG1 (STAG1 cohesin complex component; minus strand). Cytogenetic location: 3q22.3.
Variant type: single nucleotide variant.
Coding change: c.1206-4T>G on transcript NM_005862.3 (MANE Select); 4 bases into the intron before coding-DNA position 1206, T replaced by G.
Molecular consequence: intron variant.
Genome position (GRCh38, 1-based): chr3:136,464,992, A>C on the plus strand (T>G on the coding strand, the complement: STAG1 is on the minus strand). VCF-style: chr3-136464992-A-C. GRCh37 (hg19) VCF-style: chr3-136183834-A-C.
Identifiers: ClinVar variation 2654179 (VCV002654179.24), dbSNP rs2530623799, ClinGen allele CA2577912896.